The following is an entry in ClinVar:

NM_001352754.2(ARMC9):c.1003_1004delinsGC (p.Phe335Ala)

Gene: ARMC9 (armadillo repeat containing 9; plus strand). Cytogenetic location: 2q37.1.
Variant type: Indel.
Coding change: c.1003_1004delinsGC on transcript NM_001352754.2 (MANE Select); coding-DNA positions 1003 to 1004, TT replaced by GC.
Protein change: p.Phe335Ala; replaces phenylalanine 335 with alanine.
Molecular consequence: missense variant. On other transcripts: non-coding transcript variant (1).
Genome position (GRCh38, 1-based): chr2:231,259,079-231,259,080, TT replaced by GC. VCF-style: chr2-231259079-TT-GC. GRCh37 (hg19) VCF-style: chr2-232123792-TT-GC.
Other names: c.1003_1004delinsGC, p.Phe335Ala (NM_001271466.4, NM_001291656.2, NM_001352755.2 and 3 more transcripts); c.904_905delinsGC, p.Phe302Ala (NM_001352757.2, NM_001352758.2); short protein forms F302A, F335A.
Identifiers: ClinVar variation 2103254 (VCV002103254.4), dbSNP rs2469737752, ClinGen allele CA2580065988.
Genomic context (GRCh38, chr2:231,259,079, plus strand): 5'-TCCTTGGATTATGAGAAACTGAAGAAGGATTTGATTTTGGGGAGTGACCGCTTGAAAGCC[TT>GC]CTTGTTGCAGGCTCTGCGCTGGGTAGGTACCTTTGTCTTAAAGTTAGAAAACAAAACCAA-3'
Protein context (NP_001339683.2, residues 325-345): LILGSDRLKA[Phe335Ala]LLQALRWRLT

ClinVar aggregate classification (germline): Uncertain significance (1 of 4 stars; one submission).

Submission:

Labcorp Genetics (formerly Invitae), Labcorp
Classification: Uncertain significance. Last evaluated: 2022-06-16. Review status: criteria provided, single submitter. Criteria: Invitae Variant Classification Sherloc (09022015). Collection method: clinical testing. Allele origin: germline.
Comment: Experimental studies and prediction algorithms are not available or were not evaluated, and the functional significance of this variant is currently unknown. This variant has not been reported in the literature in individuals affected with ARMC9-related conditions. Information on the frequency of this variant in the gnomAD database is not available, as this variant may be reported differently in the database. This sequence change replaces phenylalanine, which is neutral and non-polar, with alanine, which is neutral and non-polar, at codon 335 of the ARMC9 protein (p.Phe335Ala). In summary, the available evidence is currently insufficient to determine the role of this variant in disease. Therefore, it has been classified as a Variant of Uncertain Significance.